The following is an entry in ClinVar:

ClinVar aggregate classification (germline): Uncertain significance. Review status: criteria provided, multiple submitters, no conflicts (2 of 4 stars). 2 submissions from 2 submitters: Uncertain significance (2). Last evaluated 2025-01-11.

Allele frequency attached by ClinVar (database versions not stated): ExAC 0.00003; gnomAD 0.00006; TOPMed 0.00006; gnomAD exomes 0.00010.
gnomAD v4.1: 146 of 1,598,030 alleles (0.0091%); highest among the groups gnomAD compares: Non-Finnish European, 0.012%; no homozygotes.

Submissions (2):

Labcorp Genetics (formerly Invitae), Labcorp
Classification: Uncertain significance. Last evaluated: 2025-01-11. Review status: criteria provided, single submitter. Criteria: Invitae Variant Classification Sherloc (09022015). Collection method: clinical testing. Allele origin: germline.
Comment: This sequence change replaces proline, which is neutral and non-polar, with leucine, which is neutral and non-polar, at codon 166 of the CREB3L3 protein (p.Pro166Leu). This variant is present in population databases (rs775653860, gnomAD 0.009%). This missense change has been observed in individual(s) with hypertriglyceridemia (PMID: 21666694, 36325899). ClinVar contains an entry for this variant (Variation ID: 2138188). Invitae Evidence Modeling of protein sequence and biophysical properties (such as structural, functional, and spatial information, amino acid conservation, physicochemical variation, residue mobility, and thermodynamic stability) indicates that this missense variant is not expected to disrupt CREB3L3 protein function with a negative predictive value of 80%. Experimental studies have shown that this missense change does not substantially affect CREB3L3 function (PMID: 21666694). In summary, the available evidence is currently insufficient to determine the role of this variant in disease. Therefore, it has been classified as a Variant of Uncertain Significance.

Blueprint Genetics
Classification: Uncertain significance. Last evaluated: 2024-11-13. Review status: criteria provided, single submitter. Criteria: ACMG Guidelines, 2015. Collection method: clinical testing. Allele origin: germline.

Literature cited by the submitters: PubMed 21666694 (cited by Labcorp Genetics (formerly Invitae), Labcorp); PubMed 36325899 (cited by Labcorp Genetics (formerly Invitae), Labcorp).

NM_032607.3(CREB3L3):c.497C>T (p.Pro166Leu)

Gene: CREB3L3 (cAMP responsive element binding protein 3 like 3; plus strand). Cytogenetic location: 19p13.3.
Variant type: single nucleotide variant.
Coding change: c.497C>T on transcript NM_032607.3 (MANE Select); coding-DNA position 497, C replaced by T.
Protein change: p.Pro166Leu; replaces proline 166 with leucine.
Molecular consequence: missense variant.
Genome position (GRCh38, 1-based): chr19:4,159,703, C>T. VCF-style: chr19-4159703-C-T. GRCh37 (hg19) VCF-style: chr19-4159700-C-T.
Other names: c.494C>T, p.Pro165Leu (NM_001271995.2); c.497C>T, p.Pro166Leu (NM_001271996.2, NM_001271997.2); short protein forms P165L, P166L.
Identifiers: ClinVar variation 2138188 (VCV002138188.5), dbSNP rs775653860, ClinGen allele CA9091337.